The following is an entry in ClinVar:

NM_000843.4(GRM6):c.87G>C (p.Ala29=)

Gene: GRM6 (glutamate metabotropic receptor 6; minus strand). Cytogenetic location: 5q35.3.
Variant type: single nucleotide variant.
Coding change: c.87G>C on transcript NM_000843.4 (MANE Select); coding-DNA position 87, G replaced by C.
Protein change: p.Ala29=; no amino-acid change (alanine 29 retained).
Molecular consequence: synonymous variant.
Genome position (GRCh38, 1-based): chr5:178,994,858, C>G on the plus strand (G>C on the coding strand, the complement: GRM6 is on the minus strand). VCF-style: chr5-178994858-C-G. GRCh37 (hg19) VCF-style: chr5-178421859-C-G.
Other names: c.87G>C (NM_000843.3).
Identifiers: ClinVar variation 1168216 (VCV001168216.11), dbSNP rs1076876, ClinGen allele CA133035482.

ClinVar aggregate classification (germline): Benign/Likely benign. Review status: criteria provided, multiple submitters, no conflicts (2 of 4 stars). 3 submissions from 3 submitters: Benign (1); Likely benign (1). 1 of the submissions does not count toward it. Last evaluated 2026-02-01.

Conditions:
GRM6-related disorder. Also called: GRM6-related condition.

Allele frequency attached by ClinVar (database versions not stated): gnomAD exomes 0.00009; 1000 Genomes Project 30x 0.00203; gnomAD 0.00212 and 0.00226.
gnomAD v4.1: 546 of 1,210,026 alleles (0.045%); highest among the groups gnomAD compares: African/African-American, 0.77%; 3 homozygotes.

Submissions (3):

Labcorp Genetics (formerly Invitae), Labcorp
Classification: Benign. Last evaluated: 2026-02-01. Review status: criteria provided, single submitter. Criteria: Invitae Variant Classification Sherloc (09022015). Collection method: clinical testing. Allele origin: germline.

Blueprint Genetics
Classification: Likely benign. Last evaluated: 2024-11-04. Review status: criteria provided, single submitter. Criteria: ACMG Guidelines, 2015. Collection method: clinical testing. Allele origin: germline.

PreventionGenetics, part of Exact Sciences
Classification: Likely benign for GRM6-related condition. Last evaluated: 2024-03-29. Review status: no assertion criteria provided. Collection method: clinical testing. Allele origin: germline. Not counted in ClinVar's aggregate classification.
Comment: This variant is classified as likely benign based on ACMG/AMP sequence variant interpretation guidelines (Richards et al. 2015 PMID: 25741868, with internal and published modifications).